The following is an entry in ClinVar:

ClinVar aggregate classification (germline): Uncertain significance (1 of 4 stars; one submission).

Allele frequency attached by ClinVar (database versions not stated): gnomAD exomes below 0.00001.
gnomAD v4.1: 1 of 1,614,078 alleles (0.000062%); highest among the groups gnomAD compares: East Asian, 0.0022%; no homozygotes.

Submission:

Labcorp Genetics (formerly Invitae), Labcorp
Classification: Uncertain significance. Last evaluated: 2023-08-17. Review status: criteria provided, single submitter. Criteria: Invitae Variant Classification Sherloc (09022015). Collection method: clinical testing. Allele origin: germline.
Comment: This sequence change replaces methionine, which is neutral and non-polar, with isoleucine, which is neutral and non-polar, at codon 578 of the GANAB protein (p.Met578Ile). This variant is not present in population databases (gnomAD no frequency). This variant has not been reported in the literature in individuals affected with GANAB-related conditions. Advanced modeling of protein sequence and biophysical properties (such as structural, functional, and spatial information, amino acid conservation, physicochemical variation, residue mobility, and thermodynamic stability) performed at Invitae indicates that this missense variant is not expected to disrupt GANAB protein function. In summary, the available evidence is currently insufficient to determine the role of this variant in disease. Therefore, it has been classified as a Variant of Uncertain Significance.

NM_198334.3(GANAB):c.1668G>A (p.Met556Ile)

Gene: GANAB (glucosidase II alpha subunit; minus strand). Cytogenetic location: 11q12.3.
Variant type: single nucleotide variant.
Coding change: c.1668G>A on transcript NM_198334.3 (MANE Select); coding-DNA position 1668, G replaced by A.
Protein change: p.Met556Ile; replaces methionine 556 with isoleucine.
Molecular consequence: missense variant.
Genome position (GRCh38, 1-based): chr11:62,629,883, C>T on the plus strand (G>A on the coding strand, the complement: GANAB is on the minus strand). VCF-style: chr11-62629883-C-T. GRCh37 (hg19) VCF-style: chr11-62397355-C-T.
Other names: c.1392G>A, p.Met464Ile (NM_001278192.2); c.1326G>A, p.Met442Ile (NM_001278193.2); c.1377G>A, p.Met459Ile (NM_001278194.2, NM_001329222.2, NM_001329223.2); c.945G>A, p.Met315Ile (NM_001329224.2, NM_001329225.2); c.1734G>A, p.Met578Ile (NM_198335.4); short protein forms M315I, M556I, M442I, M464I, M459I, M578I.
Identifiers: ClinVar variation 2753338 (VCV002753338.3), dbSNP rs1217251199, ClinGen allele CA380992162.